The following is an entry in ClinVar:

ClinVar aggregate classification (germline): Conflicting classifications of pathogenicity. Review status: criteria provided, conflicting classifications (1 of 4 stars). 7 submissions from 7 submitters: Uncertain significance (2); Likely benign (2). 3 of the submissions do not count toward it. Last evaluated 2026-07-01.

Conditions:
PCK1-related disorder. Also called: PCK1-related condition.
Phosphoenolpyruvate carboxykinase deficiency, cytosolic (PCKDC). Also called: PCK1 DEFICIENCY, CYTOSOLIC; PEPCK DEFICIENCY, CYTOSOLIC. Identifiers: Orphanet 2880, MedGen C5574905, MONDO:0009866, OMIM 261680.

Allele frequency attached by ClinVar (database versions not stated): 1000 Genomes Project 30x 0.00047; 1000 Genomes Project 0.00060; gnomAD 0.00140 and 0.00146; gnomAD exomes 0.00146 and 0.00238; ExAC 0.00148; TOPMed 0.00157; ESP Exome Variant Server 0.00223.

Submissions (7):

CeGaT Center for Human Genetics Tuebingen
Classification: Likely benign. Last evaluated: 2026-07-01. Review status: criteria provided, single submitter. Criteria: CeGaT Center For Human Genetics Tuebingen Variant Classification Criteria Version 2. Collection method: clinical testing. Allele origin: germline. Affected: yes. Observed: 4 variant alleles.
Comment: PCK1: BP4

Labcorp Genetics (formerly Invitae), Labcorp
Classification: Likely benign. Last evaluated: 2026-01-06. Review status: criteria provided, single submitter. Criteria: Invitae Variant Classification Sherloc (09022015). Collection method: clinical testing. Allele origin: germline.

Blueprint Genetics
Classification: Uncertain significance. Last evaluated: 2024-11-27. Review status: criteria provided, single submitter. Criteria: ACMG Guidelines, 2015. Collection method: clinical testing. Allele origin: germline.

Illumina Laboratory Services, Illumina
Classification: Uncertain significance for Phosphoenolpyruvate carboxykinase deficiency, cytosolic. Last evaluated: 2018-01-12. Review status: criteria provided, single submitter. Criteria: ICSL Variant Classification Criteria 13 December 2019. Collection method: clinical testing. Allele origin: germline.

PreventionGenetics, part of Exact Sciences
Classification: Likely benign for PCK1-related condition. Last evaluated: 2022-03-03. Review status: no assertion criteria provided. Collection method: clinical testing. Allele origin: germline. Not counted in ClinVar's aggregate classification.
Comment: This variant is classified as likely benign based on ACMG/AMP sequence variant interpretation guidelines (Richards et al. 2015 PMID: 25741868, with internal and published modifications).

Clinical Genetics DNA and cytogenetics Diagnostics Lab, Erasmus MC, Erasmus Medical Center
Classification: Likely benign. Review status: no assertion criteria provided. Collection method: clinical testing. Allele origin: germline. Affected: yes. Study: VKGL Data-share Consensus. Not counted in ClinVar's aggregate classification.

Genome Diagnostics Laboratory, University Medical Center Utrecht
Classification: Likely benign. Review status: no assertion criteria provided. Collection method: clinical testing. Allele origin: germline. Affected: yes. Study: VKGL Data-share Consensus. Not counted in ClinVar's aggregate classification.

NM_002591.4(PCK1):c.1642G>A (p.Ala548Thr)

Gene: PCK1 (phosphoenolpyruvate carboxykinase 1; plus strand). Cytogenetic location: 20q13.31.
Variant type: single nucleotide variant.
Coding change: c.1642G>A on transcript NM_002591.4 (MANE Select); coding-DNA position 1642, G replaced by A.
Protein change: p.Ala548Thr; replaces alanine 548 with threonine.
Molecular consequence: missense variant.
Genome position (GRCh38, 1-based): chr20:57,565,577, G>A. VCF-style: chr20-57565577-G-A. GRCh37 (hg19) VCF-style: chr20-56140633-G-A.
Other names: short protein forms A548T.
Identifiers: ClinVar variation 338891 (VCV000338891.59), dbSNP rs148684857, ClinGen allele CA9922438.